The following is an entry in ClinVar:

ClinVar aggregate classification (germline): Pathogenic (1 of 4 stars; one submission).

Submission:

Labcorp Genetics (formerly Invitae), Labcorp
Classification: Pathogenic. Last evaluated: 2024-03-27. Review status: criteria provided, single submitter. Criteria: Invitae Variant Classification Sherloc (09022015). Collection method: clinical testing. Allele origin: germline.
Comment: This sequence change creates a premature translational stop signal (p.Ile36Thrfs*6) in the GTPBP3 gene. It is expected to result in an absent or disrupted protein product. Loss-of-function variants in GTPBP3 are known to be pathogenic (PMID: 25434004). This variant is present in population databases (rs748334054, gnomAD 0.001%). This variant has not been reported in the literature in individuals affected with GTPBP3-related conditions. For these reasons, this variant has been classified as Pathogenic.

Literature cited by the submitters: PubMed 25434004.

NM_032620.4(GTPBP3):c.102_106dup (p.Ile36fs)

Gene: GTPBP3 (GTP binding protein 3, mitochondrial; plus strand). Cytogenetic location: 19p13.11.
Variant type: Duplication.
Coding change: c.102_106dup on transcript NM_032620.4 (MANE Select); coding-DNA positions 102 to 106, 5 bases duplicated (CACCA; older notation c.102_106dupCACCA).
Protein change: p.Ile36fs; shifts the reading frame from isoleucine 36.
Molecular consequence: frameshift variant.
Genome position (GRCh38, 1-based): chr19:17,338,056-17,338,060, CACCA duplicated. VCF-style (leftmost placement, unchanged base first): chr19-17338055-C-CCACCA. GRCh37 (hg19) VCF-style: chr19-17448864-C-CCACCA.
Other names: c.102_106dup, p.Ile36fs (NM_001128855.3, NM_133644.4); c.168_172dup, p.Ile58fs (NM_001195422.1); short protein forms I58fs, I36fs.
Identifiers: ClinVar variation 3677731 (VCV003677731.2).